The following is an entry in ClinVar:

NM_001040142.2(SCN2A):c.3643G>T (p.Val1215Phe)

Gene: SCN2A (sodium voltage-gated channel alpha subunit 2; plus strand). Cytogenetic location: 2q24.3.
Variant type: single nucleotide variant.
Coding change: c.3643G>T on transcript NM_001040142.2 (MANE Select); coding-DNA position 3643, G replaced by T.
Protein change: p.Val1215Phe; replaces valine 1215 with phenylalanine.
Molecular consequence: missense variant.
Genome position (GRCh38, 1-based): chr2:165,367,339, G>T. VCF-style: chr2-165367339-G-T. GRCh37 (hg19) VCF-style: chr2-166223849-G-T.
Other names: c.3643G>T, p.Val1215Phe (NM_001040143.2, NM_001371246.1, NM_001371247.1 and 1 more transcripts); short protein forms V1215F.
Identifiers: ClinVar variation 422520 (VCV000422520.44), dbSNP rs1064795832, ClinGen allele CA16617268.

ClinVar aggregate classification (germline): Conflicting classifications of pathogenicity. Review status: criteria provided, conflicting classifications (1 of 4 stars). 2 submissions from 2 submitters: Likely pathogenic (1); Uncertain significance (1). Last evaluated 2019-10-01.

Allele frequency attached by ClinVar (database versions not stated): 1000 Genomes Project 30x 0.00016.

Submissions (2):

CeGaT Center for Human Genetics Tuebingen
Classification: Uncertain significance. Last evaluated: 2019-10-01. Review status: criteria provided, single submitter. Criteria: CeGaT Center For Human Genetics Tuebingen Variant Classification Criteria Version 2. Collection method: clinical testing. Allele origin: germline. Affected: yes. Observed: 1 variant allele.

GeneDx
Classification: Likely pathogenic. Last evaluated: 2016-12-09. Review status: criteria provided, single submitter. Criteria: GeneDx Variant Classification (06012015). Collection method: clinical testing. Allele origin: germline. Affected: yes.
Comment: The V1215F variant has not been published as a pathogenic variant, nor has it been reported as a benign variant to our knowledge. It was not observed in approximately 6,500 individuals of European and African American ancestry in the NHLBI Exome Sequencing Project, indicating it is not a common benign variant in these populations. The V1215F variant is a semi-conservative amino acid substitution, which may impact secondary protein structure as these residues differ in some properties. This substitution occurs at a position where amino acids with similar properties to Valine are tolerated across species. This substitution is predicted to be within the transmembrane segment S1 of the third homologous domain. In silico analysis predicts this variant is probably damaging to the protein structure/function. Based on the currently available information, it is unclear whether this variant is a pathogenic variant or a rare benign variant.